The following is an entry in ClinVar:

ClinVar aggregate classification (germline): Pathogenic (1 of 4 stars; one submission).

gnomAD v4.1: 1 of 1,612,592 alleles (0.000062%); no homozygotes.

Submission:

Labcorp Genetics (formerly Invitae), Labcorp
Classification: Pathogenic. Last evaluated: 2023-11-06. Review status: criteria provided, single submitter. Criteria: Invitae Variant Classification Sherloc (09022015). Collection method: clinical testing. Allele origin: germline.
Comment: This sequence change creates a premature translational stop signal (p.Gln94*) in the SLC5A5 gene. It is expected to result in an absent or disrupted protein product. Loss-of-function variants in SLC5A5 are known to be pathogenic (PMID: 9388506, 9486973). This variant is not present in population databases (gnomAD no frequency). This variant has not been reported in the literature in individuals affected with SLC5A5-related conditions. For these reasons, this variant has been classified as Pathogenic.

Literature cited by the submitters: PubMed 9388506; PubMed 9486973.

NM_000453.3(SLC5A5):c.280C>T (p.Gln94Ter)

Gene: SLC5A5 (solute carrier family 5 member 5; plus strand). Cytogenetic location: 19p13.11.
Variant type: single nucleotide variant.
Coding change: c.280C>T on transcript NM_000453.3 (MANE Select); coding-DNA position 280, C replaced by T.
Protein change: p.Gln94Ter; replaces glutamine 94 with a stop codon.
Molecular consequence: nonsense.
Genome position (GRCh38, 1-based): chr19:17,872,599, C>T. VCF-style: chr19-17872599-C-T. GRCh37 (hg19) VCF-style: chr19-17983408-C-T.
Other names: short protein forms Q94*.
Identifiers: ClinVar variation 2693903 (VCV002693903.3), dbSNP rs2514612011, ClinGen allele CA404782111.